The following is an entry in ClinVar:

ClinVar aggregate classification (germline): Uncertain significance (1 of 4 stars; one submission).

Conditions:
Long QT syndrome (LQTS). Identifiers: MedGen C0023976, MeSH D008133, MONDO:0002442. Disease mechanism: loss of function. Inheritance: Various modes of inheritance.

Submission:

Labcorp Genetics (formerly Invitae), Labcorp
Classification: Uncertain significance for Long QT syndrome. Last evaluated: 2023-09-17. Review status: criteria provided, single submitter. Criteria: Invitae Variant Classification Sherloc (09022015). Collection method: clinical testing. Allele origin: germline.
Comment: This sequence change replaces histidine, which is basic and polar, with proline, which is neutral and non-polar, at codon 2951 of the AKAP9 protein (p.His2951Pro). This variant is not present in population databases (gnomAD no frequency). This variant has not been reported in the literature in individuals affected with AKAP9-related conditions. An algorithm developed to predict the effect of missense changes on protein structure and function (PolyPhen-2) suggests that this variant is likely to be disruptive. In summary, the available evidence is currently insufficient to determine the role of this variant in disease. Therefore, it has been classified as a Variant of Uncertain Significance.

NM_005751.5(AKAP9):c.8852A>C (p.His2951Pro)

Gene: AKAP9 (A-kinase anchoring protein 9; plus strand). Cytogenetic location: 7q21.2.
Variant type: single nucleotide variant.
Coding change: c.8852A>C on transcript NM_005751.5 (MANE Select); coding-DNA position 8852, A replaced by C.
Protein change: p.His2951Pro; replaces histidine 2951 with proline.
Molecular consequence: missense variant.
Genome position (GRCh38, 1-based): chr7:92,085,514, A>C. VCF-style: chr7-92085514-A-C. GRCh37 (hg19) VCF-style: chr7-91714828-A-C.
Other names: c.3497A>C, p.His1166Pro (NM_001379277.1); c.8828A>C, p.His2943Pro (NM_147185.3); short protein forms H2943P, H1166P, H2951P.
Identifiers: ClinVar variation 2783426 (VCV002783426.3), dbSNP rs1217029915, ClinGen allele CA368142798.